The following is an entry in ClinVar:

ClinVar aggregate classification (germline): Uncertain significance. Review status: criteria provided, multiple submitters, no conflicts (2 of 4 stars). 2 submissions from 2 submitters: Uncertain significance (2). Last evaluated 2025-07-16.

Allele frequency attached by ClinVar (database versions not stated): gnomAD exomes 0.00001; ExAC 0.00002.
gnomAD v4.1: 14 of 1,606,066 alleles (0.00087%); highest among the groups gnomAD compares: South Asian, 0.0056%; no homozygotes.

Submissions (2):

Labcorp Genetics (formerly Invitae), Labcorp
Classification: Uncertain significance. Last evaluated: 2025-07-16. Review status: criteria provided, single submitter. Criteria: Invitae Variant Classification Sherloc (09022015). Collection method: clinical testing. Allele origin: germline.
Comment: This sequence change replaces arginine, which is basic and polar, with glutamine, which is neutral and polar, at codon 1301 of the RIMS1 protein (p.Arg1301Gln). The frequency data for this variant in the population databases is considered unreliable, as metrics indicate poor data quality at this position in the gnomAD database. This variant has not been reported in the literature in individuals affected with RIMS1-related conditions. ClinVar contains an entry for this variant (Variation ID: 1467259). An algorithm developed to predict the effect of missense changes on protein structure and function (PolyPhen-2) suggests that this variant is likely to be disruptive. In summary, the available evidence is currently insufficient to determine the role of this variant in disease. Therefore, it has been classified as a Variant of Uncertain Significance.

Blueprint Genetics
Classification: Uncertain significance. Last evaluated: 2021-03-09. Review status: criteria provided, single submitter. Criteria: ACMG Guidelines, 2015. Collection method: clinical testing. Allele origin: germline.

NM_014989.7(RIMS1):c.3902G>A (p.Arg1301Gln)

Gene: RIMS1 (regulating synaptic membrane exocytosis 1; plus strand). Cytogenetic location: 6q13.
Variant type: single nucleotide variant.
Coding change: c.3902G>A on transcript NM_014989.7 (MANE Select); coding-DNA position 3902, G replaced by A.
Protein change: p.Arg1301Gln; replaces arginine 1301 with glutamine.
Molecular consequence: missense variant. On other transcripts: intron variant (24).
Genome position (GRCh38, 1-based): chr6:72,307,309, G>A. VCF-style: chr6-72307309-G-A. GRCh37 (hg19) VCF-style: chr6-73017012-G-A.
Other names: c.1793G>A, p.Arg598Gln (NM_001350439.2); c.1862G>A, p.Arg621Gln (NM_001168407.2); c.1823G>A, p.Arg608Gln (NM_001350414.2); c.1946G>A, p.Arg649Gln (NM_001350415.2); c.1895G>A, p.Arg632Gln (NM_001350416.2); c.1868G>A, p.Arg623Gln (NM_001350418.2); c.1976G>A, p.Arg659Gln (NM_001350420.2); c.1721G>A, p.Arg574Gln (NM_001350421.2); and 51 more; short protein forms R465Q, R490Q, R532Q, R604Q, R621Q, R636Q, R682Q, R516Q.
Identifiers: ClinVar variation 1467259 (VCV001467259.7), dbSNP rs765299650, ClinGen allele CA3886391.